The following is an entry in ClinVar:

ClinVar aggregate classification (germline): Uncertain significance. Review status: criteria provided, multiple submitters, no conflicts (2 of 4 stars). 2 submissions from 2 submitters: Uncertain significance (2). Last evaluated 2025-12-23.

Conditions:
Hereditary cancer-predisposing syndrome. Also called: Neoplastic Syndromes, Hereditary; Tumor predisposition; Hereditary Cancer Syndrome; Hereditary neoplastic syndrome. Identifiers: Orphanet 140162, MedGen C0027672, MeSH D009386, MONDO:0015356.
Cardiovascular phenotype. Identifiers: MedGen CN230736.

Submissions (2):

Labcorp Genetics (formerly Invitae), Labcorp
Classification: Uncertain significance. Last evaluated: 2025-12-23. Review status: criteria provided, single submitter. Criteria: Invitae Variant Classification Sherloc (09022015). Collection method: clinical testing. Allele origin: germline.
Comment: This sequence change replaces alanine, which is neutral and non-polar, with threonine, which is neutral and polar, at codon 66 of the LZTR1 protein (p.Ala66Thr). This variant is not present in population databases (gnomAD no frequency). This variant has not been reported in the literature in individuals affected with LZTR1-related conditions. ClinVar contains an entry for this variant (Variation ID: 1783586). Invitae Evidence Modeling of protein sequence and biophysical properties (such as structural, functional, and spatial information, amino acid conservation, physicochemical variation, residue mobility, and thermodynamic stability) indicates that this missense variant is not expected to disrupt LZTR1 protein function with a negative predictive value of 80%. In summary, the available evidence is currently insufficient to determine the role of this variant in disease. Therefore, it has been classified as a Variant of Uncertain Significance.

Ambry Genetics
Classification: Uncertain significance for Cardiovascular phenotype; Hereditary cancer-predisposing syndrome. Last evaluated: 2022-07-11. Review status: criteria provided, single submitter. Criteria: Ambry Variant Classification Scheme 2023. Collection method: clinical testing. Allele origin: germline.
Comment: The p.A66T variant (also known as c.196G>A), located in coding exon 1 of the LZTR1 gene, results from a G to A substitution at nucleotide position 196. The alanine at codon 66 is replaced by threonine, an amino acid with similar properties. This amino acid position is conserved. In addition, the in silico prediction for this alteration is inconclusive. Since supporting evidence is limited at this time, the clinical significance of this alteration remains unclear.

NM_006767.4(LZTR1):c.196G>A (p.Ala66Thr)

Gene: LZTR1 (leucine zipper like post translational regulator 1; plus strand). Cytogenetic location: 22q11.21.
Variant type: single nucleotide variant.
Coding change: c.196G>A on transcript NM_006767.4 (MANE Select); coding-DNA position 196, G replaced by A.
Protein change: p.Ala66Thr; replaces alanine 66 with threonine.
Molecular consequence: missense variant.
Genome position (GRCh38, 1-based): chr22:20,982,567, G>A. VCF-style: chr22-20982567-G-A. GRCh37 (hg19) VCF-style: chr22-21336856-G-A.
Other names: short protein forms A66T.
Identifiers: ClinVar variation 1783586 (VCV001783586.3), dbSNP rs2518608032, ClinGen allele CA410778180.